The following is an entry in ClinVar:

ClinVar aggregate classification (germline): Uncertain significance. Review status: criteria provided, multiple submitters, no conflicts (2 of 4 stars). 2 submissions from 2 submitters: Uncertain significance (2). Last evaluated 2025-07-15.

Conditions:
Inborn genetic diseases. Identifiers: MedGen C0950123, MeSH D030342.

gnomAD v4.1: 7 of 1,568,460 alleles (0.00045%); highest among the groups gnomAD compares: African/African-American, 0.0054%; no homozygotes.

Submissions (2):

Ambry Genetics
Classification: Uncertain significance for Inborn genetic diseases. Last evaluated: 2025-07-15. Review status: criteria provided, single submitter. Criteria: Ambry Variant Classification Scheme 2023. Collection method: clinical testing. Allele origin: germline.

Labcorp Genetics (formerly Invitae), Labcorp
Classification: Uncertain significance. Last evaluated: 2025-06-18. Review status: criteria provided, single submitter. Criteria: Invitae Variant Classification Sherloc (09022015). Collection method: clinical testing. Allele origin: germline.
Comment: This sequence change replaces valine, which is neutral and non-polar, with alanine, which is neutral and non-polar, at codon 72 of the GATA3 protein (p.Val72Ala). The frequency data for this variant in the population databases is considered unreliable, as metrics indicate poor data quality at this position in the gnomAD database. This variant has not been reported in the literature in individuals affected with GATA3-related conditions. An algorithm developed to predict the effect of missense changes on protein structure and function (PolyPhen-2) suggests that this variant is likely to be tolerated. In summary, the available evidence is currently insufficient to determine the role of this variant in disease. Therefore, it has been classified as a Variant of Uncertain Significance.

NM_001002295.2(GATA3):c.215T>C (p.Val72Ala)

Genes: GATA3 (GATA binding protein 3; plus strand), LOC130003278 (ATAC-STARR-seq lymphoblastoid silent region 2118; plus strand). Cytogenetic location: 10p14.
Variant type: single nucleotide variant.
Coding change: c.215T>C on transcript NM_001002295.2 (MANE Select); coding-DNA position 215, T replaced by C.
Protein change: p.Val72Ala; replaces valine 72 with alanine.
Molecular consequence: missense variant.
Genome position (GRCh38, 1-based): chr10:8,055,870, T>C. VCF-style: chr10-8055870-T-C. GRCh37 (hg19) VCF-style: chr10-8097833-T-C.
Other names: c.215T>C, p.Val72Ala (NM_001441115.1, NM_001441116.1, NM_001441117.1 and 18 more transcripts); short protein forms V72A.
Identifiers: ClinVar variation 4262159 (VCV004262159.2).
Genomic context (GRCh38, chr10:8,055,870, plus strand): 5'-ACATCGACGGTCAAGGCAACCACGTCCCGCCCTACTACGGAAACTCGGTCAGGGCCACGG[T>C]GCAGAGGTACCCTCCGACCCACCACGGTGAGTGCGCCCGGGGTGCCGGGGCTCCCGCCGG-3'
Protein context (NP_001002295.1, residues 62-82): PYYGNSVRAT[Val72Ala]QRYPPTHHGS